The following is an entry in ClinVar:

ClinVar aggregate classification (germline): Uncertain significance (1 of 4 stars; one submission).

gnomAD v4.1: 1 of 1,614,056 alleles (0.000062%); highest among the groups gnomAD compares: Non-Finnish European, 0.000085%; no homozygotes.

Submission:

Ambry Genetics
Classification: Uncertain significance. Last evaluated: 2024-08-12. Review status: criteria provided, single submitter. Criteria: Ambry Variant Classification Scheme 2023. Collection method: clinical testing. Allele origin: germline.
Comment: The p.L695P variant (also known as c.2084T>C), located in coding exon 10 of the PALLD gene, results from a T to C substitution at nucleotide position 2084. The leucine at codon 695 is replaced by proline, an amino acid with similar properties. This amino acid position is conserved. In addition, this alteration is predicted to be deleterious by in silico analysis. Based on the available evidence, the clinical significance of this variant remains unclear.

NM_001166108.2(PALLD):c.2084T>C (p.Leu695Pro)

Gene: PALLD (palladin, cytoskeletal associated protein; plus strand). Cytogenetic location: 4q32.3.
Variant type: single nucleotide variant.
Coding change: c.2084T>C on transcript NM_001166108.2 (MANE Select); coding-DNA position 2084, T replaced by C.
Protein change: p.Leu695Pro; replaces leucine 695 with proline.
Molecular consequence: missense variant. On other transcripts: 5 prime UTR variant (4).
Genome position (GRCh38, 1-based): chr4:168,891,041, T>C. VCF-style: chr4-168891041-T-C. GRCh37 (hg19) VCF-style: chr4-169812192-T-C.
Other names: c.938T>C, p.Leu313Pro (NM_001166109.2); c.623T>C, p.Leu208Pro (NM_001166110.2); c.-38T>C (NM_001367567.1, NM_001367568.1, NM_001367569.1 and 1 more transcripts); c.2084T>C, p.Leu695Pro (NM_016081.4); short protein forms L208P, L313P, L695P.
Identifiers: ClinVar variation 3413591 (VCV003413591.1).